The following is an entry in ClinVar:

ClinVar aggregate classification (germline): Pathogenic/Likely pathogenic. Review status: criteria provided, multiple submitters, no conflicts (2 of 4 stars). 2 submissions from 2 submitters: Pathogenic (1); Likely pathogenic (1). Last evaluated 2025-07-03.

Conditions:
Supravalvar aortic stenosis (SVAS). Also called: Supravalvar aortic stenosis, Eisenberg type. Identifiers: Orphanet 3193, MedGen C0003499, MONDO:0008504, OMIM 185500, HP:0004381.

Submissions (2):

Labcorp Genetics (formerly Invitae), Labcorp
Classification: Pathogenic for Supravalvar aortic stenosis. Last evaluated: 2025-07-03. Review status: criteria provided, single submitter. Criteria: Invitae Variant Classification Sherloc (09022015). Collection method: clinical testing. Allele origin: germline.
Comment: This sequence change creates a premature translational stop signal (p.Gln253Argfs*70) in the ELN gene. It is expected to result in an absent or disrupted protein product. Loss-of-function variants in ELN are known to be pathogenic (PMID: 11175284). This variant is not present in population databases (gnomAD no frequency). This premature translational stop signal has been observed in individual(s) with clinical features of ELN-related conditions (PMID: 21080980). ClinVar contains an entry for this variant (Variation ID: 1678168). For these reasons, this variant has been classified as Pathogenic.

AiLife Diagnostics
Classification: Likely pathogenic. Last evaluated: 2022-02-23. Review status: criteria provided, single submitter. Criteria: ACMG Guidelines, 2015. Collection method: clinical testing. Allele origin: germline. Affected: yes. Observed: 1 variant allele.

Literature cited by the submitters: PubMed 11175284 (cited by Labcorp Genetics (formerly Invitae), Labcorp); PubMed 21080980 (cited by Labcorp Genetics (formerly Invitae), Labcorp and AiLife Diagnostics).

NM_000501.4(ELN):c.757del (p.Gln253fs)

Gene: ELN (elastin; plus strand). Cytogenetic location: 7q11.23.
Variant type: Deletion.
Coding change: c.757del on transcript NM_000501.4 (MANE Select); coding-DNA position 757, one base deleted (C; older notation c.757delC).
Protein change: p.Gln253fs; shifts the reading frame from glutamine 253.
Molecular consequence: frameshift variant.
Genome position (GRCh38, 1-based): chr7:74,048,514, C deleted; the last of 5 consecutive C bases (chr7:74,048,510-74,048,514); deleting any one gives the same sequence. VCF-style (leftmost placement, unchanged base first): chr7-74048509-GC-G. GRCh37 (hg19) VCF-style: chr7-73462839-GC-G.
Other names: c.727del, p.Gln243fs (NM_001081752.3, NM_001278917.2); c.772del, p.Gln258fs (NM_001081753.3, NM_001081754.3); c.757del, p.Gln253fs (NM_001081755.3, NM_001278912.2, NM_001278915.2 and 1 more transcripts); c.649del, p.Gln217fs (NM_001278913.2); c.742del, p.Gln248fs (NM_001278914.2); c.715del, p.Gln239fs (NM_001278916.2); c.625del, p.Gln209fs (NM_001278918.2); short protein forms Q209fs, Q217fs, Q239fs, Q243fs, Q248fs, Q253fs, Q258fs.
Identifiers: ClinVar variation 1678168 (VCV001678168.2), dbSNP rs2131672289, ClinGen allele CA2573142295.